The following is an entry in ClinVar:

ClinVar aggregate classification (germline): Uncertain significance (1 of 4 stars; one submission).

Conditions:
Neuropathy, hereditary sensory, type 2C. Also called: KIF1A-Related HSAN2 (HSAN2C); Hereditary sensory and autonomic neuropathy type IIC. Identifiers: Orphanet 970, MedGen C3280168, MONDO:0013634, OMIM 614213.
Hereditary spastic paraplegia 30. Identifiers: Orphanet 101010, MedGen C5235139, MONDO:0012476.
Intellectual disability, autosomal dominant 9 (NESCAVS). Also called: KIF1A-Related Neurodevelopmental Disorder; NESCAV SYNDROME. Identifiers: Orphanet 662367, MedGen C5393830, MONDO:0013656, OMIM 614255.

Submission:

Labcorp Genetics (formerly Invitae), Labcorp
Classification: Uncertain significance for Hereditary spastic paraplegia 30; Neuropathy, hereditary sensory, type 2C; Intellectual disability, autosomal dominant 9. Last evaluated: 2024-03-03. Review status: criteria provided, single submitter. Criteria: Invitae Variant Classification Sherloc (09022015). Collection method: clinical testing. Allele origin: germline.
Comment: This sequence change replaces arginine, which is basic and polar, with serine, which is neutral and polar, at codon 1320 of the KIF1A protein (p.Arg1320Ser). This variant is not present in population databases (gnomAD no frequency). This variant has not been reported in the literature in individuals affected with KIF1A-related conditions. Advanced modeling of protein sequence and biophysical properties (such as structural, functional, and spatial information, amino acid conservation, physicochemical variation, residue mobility, and thermodynamic stability) performed at Invitae indicates that this missense variant is not expected to disrupt KIF1A protein function with a negative predictive value of 95%. In summary, the available evidence is currently insufficient to determine the role of this variant in disease. Therefore, it has been classified as a Variant of Uncertain Significance.

NM_001244008.2(KIF1A):c.4261C>A (p.Arg1421Ser)

Gene: KIF1A (kinesin family member 1A; minus strand). Cytogenetic location: 2q37.3.
Variant type: single nucleotide variant.
Coding change: c.4261C>A on transcript NM_001244008.2 (MANE Select); coding-DNA position 4261, C replaced by A.
Protein change: p.Arg1421Ser; replaces arginine 1421 with serine.
Molecular consequence: missense variant.
Genome position (GRCh38, 1-based): chr2:240,724,032, G>T on the plus strand (C>A on the coding strand, the complement: KIF1A is on the minus strand). VCF-style: chr2-240724032-G-T. GRCh37 (hg19) VCF-style: chr2-241663449-G-T.
Other names: c.3985C>A, p.Arg1329Ser (NM_001320705.2, NM_001379649.1); c.4012C>A, p.Arg1338Ser (NM_001330289.2); c.4060C>A, p.Arg1354Ser (NM_001330290.2, NM_001379648.1); c.4336C>A, p.Arg1446Ser (NM_001379631.1); c.4237C>A, p.Arg1413Ser (NM_001379632.1); c.4234C>A, p.Arg1412Ser (NM_001379633.1, NM_001379645.1); c.4087C>A, p.Arg1363Ser (NM_001379634.1); c.4084C>A, p.Arg1362Ser (NM_001379635.1, NM_001379646.1); and 7 more; short protein forms R1319S, R1320S, R1328S, R1329S, R1337S, R1338S, R1345S, R1354S.
Identifiers: ClinVar variation 3750627 (VCV003750627.2).